The following is an entry in ClinVar:

NM_006231.4(POLE):c.2346C>T (p.Ala782=)

Gene: POLE (DNA polymerase epsilon, catalytic subunit; minus strand). Cytogenetic location: 12q24.33.
Variant type: single nucleotide variant.
Coding change: c.2346C>T on transcript NM_006231.4 (MANE Select); coding-DNA position 2346, C replaced by T.
Protein change: p.Ala782=; no amino-acid change (alanine 782 retained).
Molecular consequence: synonymous variant.
Genome position (GRCh38, 1-based): chr12:132,665,424, G>A on the plus strand (C>T on the coding strand, the complement: POLE is on the minus strand). VCF-style: chr12-132665424-G-A. GRCh37 (hg19) VCF-style: chr12-133242010-G-A.
Identifiers: ClinVar variation 513934 (VCV000513934.15), dbSNP rs114642756, ClinGen allele CA246319347.

ClinVar aggregate classification (germline): Benign/Likely benign. Review status: criteria provided, multiple submitters, no conflicts (2 of 4 stars). 4 submissions from 4 submitters: Benign (1); Likely benign (3). Last evaluated 2025-11-26.

Conditions:
Hereditary cancer-predisposing syndrome. Also called: Hereditary Cancer Syndrome; Tumor predisposition; Hereditary neoplastic syndrome; Neoplastic Syndromes, Hereditary. Identifiers: Orphanet 140162, MedGen C0027672, MeSH D009386, MONDO:0015356.

Allele frequency attached by ClinVar (database versions not stated): TOPMed 0.00006; gnomAD 0.00007.
gnomAD v4.1: 19 of 1,611,924 alleles (0.0012%); highest among the groups gnomAD compares: African/African-American, 0.016%; no homozygotes.

Submissions (4):

Labcorp Genetics (formerly Invitae), Labcorp
Classification: Likely benign. Last evaluated: 2025-11-26. Review status: criteria provided, single submitter. Criteria: Invitae Variant Classification Sherloc (09022015). Collection method: clinical testing. Allele origin: germline.

Blueprint Genetics
Classification: Benign. Last evaluated: 2020-12-23. Review status: criteria provided, single submitter. Criteria: ACMG Guidelines, 2015. Collection method: clinical testing. Allele origin: germline.

Ambry Genetics
Classification: Likely benign for Hereditary cancer-predisposing syndrome. Last evaluated: 2018-03-02. Review status: criteria provided, single submitter. Criteria: Ambry Variant Classification Scheme 2023. Collection method: clinical testing. Allele origin: germline.

GeneDx
Classification: Likely benign. Last evaluated: 2017-12-01. Review status: criteria provided, single submitter. Criteria: GeneDx Variant Classification (06012015). Collection method: clinical testing. Allele origin: germline. Affected: yes.
Comment: This variant is considered likely benign or benign based on one or more of the following criteria: it is a conservative change, it occurs at a poorly conserved position in the protein, it is predicted to be benign by multiple in silico algorithms, and/or has population frequency not consistent with disease.